The following is an entry in ClinVar:

NM_001844.5(COL2A1):c.4175A>G (p.His1392Arg)

Gene: COL2A1 (collagen type II alpha 1 chain; minus strand). Cytogenetic location: 12q13.11.
Variant type: single nucleotide variant.
Coding change: c.4175A>G on transcript NM_001844.5 (MANE Select); coding-DNA position 4175, A replaced by G.
Protein change: p.His1392Arg; replaces histidine 1392 with arginine.
Molecular consequence: missense variant.
Genome position (GRCh38, 1-based): chr12:47,974,231, T>C on the plus strand (A>G on the coding strand, the complement: COL2A1 is on the minus strand). VCF-style: chr12-47974231-T-C. GRCh37 (hg19) VCF-style: chr12-48368014-T-C.
Other names: c.3968A>G, p.His1323Arg (NM_033150.3); short protein forms H1323R, H1392R.
Identifiers: ClinVar variation 3239559 (VCV003239559.19), dbSNP rs2540094990.

ClinVar aggregate classification (germline): Uncertain significance (1 of 4 stars; one submission).

Submission:

CeGaT Center for Human Genetics Tuebingen
Classification: Uncertain significance. Last evaluated: 2024-05-01. Review status: criteria provided, single submitter. Criteria: CeGaT Center For Human Genetics Tuebingen Variant Classification Criteria Version 2. Collection method: clinical testing. Allele origin: germline. Affected: yes. Observed: 1 variant allele.
Comment: COL2A1: PM2